The following is an entry in ClinVar:

NM_198880.3(QRICH1):c.651dup (p.Ala218fs)

Gene: QRICH1 (glutamine rich 1; minus strand). Cytogenetic location: 3p21.31.
Variant type: Duplication.
Coding change: c.651dup on transcript NM_198880.3 (MANE Select); coding-DNA position 651, one base duplicated (T; older notation c.651dupT).
Protein change: p.Ala218fs; shifts the reading frame from alanine 218.
Molecular consequence: frameshift variant.
Genome position (GRCh38, 1-based): chr3:49,057,549, A duplicated on the plus strand (T on the coding strand, the reverse complement: QRICH1 is on the minus strand). VCF-style (leftmost placement, unchanged base first): chr3-49057548-C-CA. GRCh37 (hg19) VCF-style: chr3-49094981-C-CA.
Other names: c.651dup, p.Ala218fs (NM_001320581.2, NM_001320580.2, NM_001320584.1 and 4 more transcripts); short protein forms A218fs.
Identifiers: ClinVar variation 1213422 (VCV001213422.3), dbSNP rs2106906092, ClinGen allele CA2499216895.

ClinVar aggregate classification (germline): Likely pathogenic (1 of 4 stars; one submission).

Submission:

GeneDx
Classification: Likely pathogenic. Last evaluated: 2019-09-13. Review status: criteria provided, single submitter. Criteria: GeneDx Variant Classification Process June 2021. Collection method: clinical testing. Allele origin: germline. Affected: yes.
Comment: Frameshift variant predicted to result in protein truncation or nonsense mediated decay in a gene for which loss-of-function is a known mechanism of disease; Not observed in large population cohorts (Lek et al., 2016); Has not been previously published as pathogenic or benign to our knowledge